The following is an entry in ClinVar:

NM_005419.4(STAT2):c.261G>C (p.Leu87Phe)

Gene: STAT2 (signal transducer and activator of transcription 2; minus strand). Cytogenetic location: 12q13.3.
Variant type: single nucleotide variant.
Coding change: c.261G>C on transcript NM_005419.4 (MANE Select); coding-DNA position 261, G replaced by C.
Protein change: p.Leu87Phe; replaces leucine 87 with phenylalanine.
Molecular consequence: missense variant.
Genome position (GRCh38, 1-based): chr12:56,356,156, C>G on the plus strand (G>C on the coding strand, the complement: STAT2 is on the minus strand). VCF-style: chr12-56356156-C-G. GRCh37 (hg19) VCF-style: chr12-56749940-C-G.
Other names: c.261G>C, p.Leu87Phe (NM_001385110.1, NM_001385111.1, NM_001385113.1 and 3 more transcripts); short protein forms L87F.
Identifiers: ClinVar variation 1717339 (VCV001717339.5), dbSNP rs2547269607, ClinGen allele CA385263743.

ClinVar aggregate classification (germline): Uncertain significance (1 of 4 stars; one submission).

Conditions:
Primary immunodeficiency with post-measles-mumps-rubella vaccine viral infection. Also called: Immunodeficiency 44. Identifiers: Orphanet 431166, MedGen C4225260, MONDO:0014715, OMIM 616636.

Allele frequency attached by ClinVar (database versions not stated): gnomAD exomes below 0.00001.
gnomAD v4.1: 1 of 1,614,120 alleles (0.000062%); highest among the groups gnomAD compares: Non-Finnish European, 0.000085%; no homozygotes.

Submission:

Labcorp Genetics (formerly Invitae), Labcorp
Classification: Uncertain significance for Primary immunodeficiency with post-measles-mumps-rubella vaccine viral infection. Last evaluated: 2022-11-01. Review status: criteria provided, single submitter. Criteria: Invitae Variant Classification Sherloc (09022015). Collection method: clinical testing. Allele origin: germline.
Comment: This variant is not present in population databases (gnomAD no frequency). This variant has not been reported in the literature in individuals affected with STAT2-related conditions. Advanced modeling of protein sequence and biophysical properties (such as structural, functional, and spatial information, amino acid conservation, physicochemical variation, residue mobility, and thermodynamic stability) performed at Invitae indicates that this missense variant is not expected to disrupt STAT2 protein function. In summary, the available evidence is currently insufficient to determine the role of this variant in disease. Therefore, it has been classified as a Variant of Uncertain Significance. This sequence change replaces leucine, which is neutral and non-polar, with phenylalanine, which is neutral and non-polar, at codon 87 of the STAT2 protein (p.Leu87Phe).